The following continues an entry in ClinVar:

NM_004985.5(KRAS):c.35G>A (p.Gly12Asp)

Gene: KRAS. ClinVar aggregate classification (germline): Pathogenic/Likely pathogenic. Pathogenic (13); Likely pathogenic (2). ClinVar aggregate classification (somatic clinical impact): Tier I - Strong. ClinVar aggregate classification (oncogenicity): Oncogenic.

Submissions 14 to 22 of 49:

Fulgent Genetics
Classification: Pathogenic for Cerebral arteriovenous malformation; Malignant tumor of urinary bladder; Familial cancer of breast; Linear nevus sebaceous syndrome; Lung cancer; Familial pancreatic carcinoma; Toriello-Lacassie-Droste syndrome; Acute myeloid leukemia; Noonan syndrome 3; Gastric cancer; Autoimmune lymphoproliferative syndrome type 4; Cardiofaciocutaneous syndrome 2. Last evaluated: 2024-02-23. Review status: criteria provided, single submitter. Criteria: ACMG Guidelines, 2015. Collection method: clinical testing. Allele origin: germline.

Clinical Genomics Laboratory, Washington University in St. Louis
Classification: Pathogenic for Cerebral arteriovenous malformation. Last evaluated: 2023-11-03. Review status: criteria provided, single submitter. Criteria: ACMG Guidelines, 2015. Collection method: clinical testing. Allele origin: somatic. Affected: yes.
Comment: The KRAS c.35G>A (p.Gly12Asp) variant was identified at an allelic fraction consistent with somatic origin. This variant has been reported in multiple individuals affected with vascular malformations including numerous individuals with brain arteriovenous malformations (Nikolaev SI et al., PMID: 29298116; Lihua J et al., PMID: 29381910; Al-Olabi et al., PMID: 29461977; Goss JA et al., PMID: 31486960; Schmidt FV et al., PMID: 34114335; Mitchell BJ et al., PMID: 30394973). This variant has been reported in the ClinVar database as a pathogenic/likely pathogenic variant in both a somatic and germline state by multiple submitters (ClinVar ID: 12582) and in numerous cancer cases as a somatic variant in the cancer database COSMIC (COMIC ID: COSV55497369). This variant is only observed on 2/152,128 alleles in the general population (gnomAD v.3.1.2), indicating it is not a common variant. The KRAS c.35G>A (p.Gly12Asp) variant resides within the P-loop region of KRAS that is defined as a critical functional domain (Gelb BD et al., PMID: 29493581). Computational predictors indicate that the variant is damaging, evidence that correlates with impact to KRAS function. In support of this prediction, functional studies show that this variant activates mitogen-activated protein kinase kinase 1 signaling pathway, leading to the formation of vascular malformation (Cistea IC et al., PMID: 23059812; Fish JE et al., PMID: 32552404; Janardhan HP et al., PMID: 32405640). The KRAS gene is defined by the ClinGen's RASopathies expert panel as a gene that has a low rate of benign missense variation and where pathogenic missense variants are a common mechanism of disease (Gelb BD et al., PMID: 29493581). Based on an internally developed protocol informed by the ACMG/AMP guidelines (Richards S et al., PMID: 25741868) and gene-specific practices from the ClinGen Criteria Specification Registry, the KRAS c.35G>A (p.Gly12Asp) variant is classified as pathogenic.

Mayo Clinic Laboratories, Mayo Clinic
Classification: Pathogenic. Last evaluated: 2023-11-03. Review status: criteria provided, single submitter. Criteria: ACMG Guidelines, 2015. Collection method: clinical testing. Allele origin: germline. Observed: 1,940 variant alleles.
Comment: PP3, PM2, PS3, PS4

Institute for Genomic Medicine (IGM) Clinical Laboratory, Nationwide Children's Hospital
Classification: Tier I - Strong for Precursor B-cell acute lymphoblastic leukemia. Assertion type: diagnostic. Clinical significance: supports diagnosis. Last evaluated: 2023-10-12. Review status: criteria provided, single submitter. Criteria: AMP/ASCO/CAP Guidelines, 2017. Collection method: clinical testing. Allele origin: somatic. Affected: yes.
Comment: Variant has Tier I (strong) clinical significance as a diagnostic inclusion criterion in precursor B-cell acute lymphoblastic leukemia, based on the following evidence: 1) Documented in one or more cancer databases (e.g., St. Jude Pecan, COSMIC, CIViC, OncoKB). 2) Appears in one or more well-established professional guidelines (e.g., World Health Organization [WHO]; National Comprehensive Cancer Network [NCCN]) as providing diagnostic, prognostic, or therapeutic information. 3) Information in the literature supports potential biologic effect of variant (PMIDs: 26037647, 20570890). 4) Diagnostic for a specific tumor type/classification based on well-powered studies with expert-level consensus (Evidence Level B; PMIDs: 32154130, 25961940, 25917266, 27872090).

Institute for Genomic Medicine (IGM) Clinical Laboratory, Nationwide Children's Hospital
Classification: Tier I - Strong for Diffuse pediatric-type high-grade glioma, H3-wildtype and IDH-wildtype. Assertion type: diagnostic. Clinical significance: supports diagnosis. Last evaluated: 2023-08-01. Review status: criteria provided, single submitter. Criteria: AMP/ASCO/CAP Guidelines, 2017. Collection method: clinical testing. Allele origin: somatic. Affected: yes.
Comment: Variant has Tier I (strong) clinical significance as a diagnostic inclusion criterion in diffuse pediatric-type high-grade glioma, H3-wildtype and IDH-wildtype, based on the following evidence: 1) Documented in one or more cancer databases (e.g., St. Jude Pecan, COSMIC, CIViC, OncoKB). 2) Appears in one or more well-established professional guidelines (e.g., World Health Organization [WHO]; National Comprehensive Cancer Network [NCCN]) as providing diagnostic, prognostic, or therapeutic information. 3) Information in the literature supports potential biologic effect of variant. 4) Diagnostic for a specific tumor type/classification based on well-powered studies with expert-level consensus (Evidence Level B; PMIDs: 24705251, 28966033, 28912153).

GeneDx
Classification: Pathogenic. Last evaluated: 2022-12-22. Review status: criteria provided, single submitter. Criteria: GeneDx Variant Classification Process June 2021. Collection method: clinical testing. Allele origin: germline. Affected: yes.
Comment: Reported as a somatic variant in affected tissue from individuals with sebaceous nevi; the variant was not detected in blood or unaffected skin tissue of these individuals (Groesser et al., 2012; Levinsohn et al., 2013; Wang et al., 2015); Observed as a presumably somatic variant associated with malignancies, including various types of leukemia (Paulsson et al., 2008; Koorstra et al., 2008; Tyner et al., 2009; Zhang et al., 2011); Published functional studies demonstrate this variant affects GTP binding activity of the KRAS protein (Chen et al., 2013), and causes an increase in AKT phosphorylation (Petrova et al., 2016); Missense variants in this gene are often considered pathogenic (HGMD); In silico analysis supports that this missense variant has a deleterious effect on protein structure/function; This variant is associated with the following publications: (PMID: 18813118, 23096712, 23437064, 24803665, 15093544, 19847165, 22264792, 21451123, 21502497, 18308936, 11323676, 26521233, 20805368, 19075190, 21680795, 30394973, 30936194, 30355600, 31836588, 29298116, 32246016, 30443000, 31891627, 33244099, 22683711, 27362559, 17875937, 29493581, 17910045)

CeGaT Center for Human Genetics Tuebingen
Classification: Pathogenic. Last evaluated: 2022-12-01. Review status: criteria provided, single submitter. Criteria: CeGaT Center For Human Genetics Tuebingen Variant Classification Criteria Version 2. Collection method: clinical testing. Allele origin: germline. Affected: yes. Observed: 2 variant alleles.

Women's Health and Genetics/Laboratory Corporation of America, LabCorp
Classification: Pathogenic for RASopathy. Last evaluated: 2022-10-05. Review status: criteria provided, single submitter. Criteria: LabCorp Variant Classification Summary - May 2015. Collection method: clinical testing. Allele origin: germline.
Comment: Variant summary: KRAS c.35G>A (p.Gly12Asp) results in a non-conservative amino acid change located in the Small GTP-binding protein domain (IPR005225) of the encoded protein sequence. Four of five in-silico tools predict a damaging effect of the variant on protein function. The variant allele was found at a frequency of 4e-06 in 249328 control chromosomes (gnomAD). c.35G>A is a well classified pathogenic somatic mutation (ClinVar ID 2582). c.35G>A has been reported with varying levels of somatic mosaicism in individuals affected with anomalous pancreaticobiliary ductal union, epidermal nevus and Keratinocytic epidermal nevi and Schimmelpenning syndrome characterized by nevus sebaceous and extracutaneous abnormalities (Examples: Shimotake_2003, Bourdeaut_2010 and Hafner_2012, Groesser_2012). Experimental evidence have demonstrated that KRAS G12D is embryonically lethal in the mouse model and conditional expression in mouse embryonic fibroblasts causes enhanced proliferation and partial transformation consistent with a gain of function mechanism of disease (example: Tuveson_2004). A different variant affecting the same residue G12S is associated with Cardio-facio-cutaneous syndrome in HGMD (Nava_2007). Three clinical diagnostic laboratories have submitted clinical-significance assessments for this variant to ClinVar after 2014 and all classified the variant as pathogenic. Based on the evidence outlined above, the variant was classified as pathogenic.

Ambry Genetics
Classification: Likely pathogenic for Cardiovascular phenotype. Last evaluated: 2022-08-22. Review status: criteria provided, single submitter. Criteria: Ambry Variant Classification Scheme 2023. Collection method: clinical testing. Allele origin: germline.
Comment: reported for somatic cases only, for germline findings, please reassess